The following is an entry in ClinVar:

ClinVar aggregate classification (germline): Uncertain significance (1 of 4 stars; one submission).

Conditions:
MACF1-related disorder. Also called: MACF1-related condition.

Submission:

PreventionGenetics, part of Exact Sciences
Classification: Uncertain significance for MACF1-related condition. Last evaluated: 2026-03-03. Review status: criteria provided, single submitter. Criteria: ACMG Guidelines, 2015. Collection method: clinical testing. Allele origin: germline.
Comment: The MACF1 c.12898G>A variant is predicted to result in the amino acid substitution p.Val4300Ile. To our knowledge, this variant has not been reported in the literature or in a large population database (gnomAD), indicating this variant is rare. At this time, the clinical significance of this variant is uncertain due to the absence of conclusive functional and genetic evidence.

NM_001394062.1(MACF1):c.19075G>A (p.Val6359Ile)

Gene: MACF1 (microtubule actin crosslinking factor 1; plus strand). Cytogenetic location: 1p34.3.
Variant type: single nucleotide variant.
Coding change: c.19075G>A on transcript NM_001394062.1 (MANE Select); coding-DNA position 19075, G replaced by A.
Protein change: p.Val6359Ile; replaces valine 6359 with isoleucine.
Molecular consequence: missense variant.
Genome position (GRCh38, 1-based): chr1:39,442,538, G>A. VCF-style: chr1-39442538-G-A. GRCh37 (hg19) VCF-style: chr1-39908210-G-A.
Other names: c.7153G>A, p.Val2385Ile (NM_001397473.1); c.12898G>A, p.Val4300Ile (NM_012090.5); short protein forms V6359I, V2385I, V4300I.
Identifiers: ClinVar variation 4990847 (VCV004990847.1).
Genomic context (GRCh38, chr1:39,442,538, plus strand): 5'-TGGCTGACTCATACCGAAGAGTTGTTAGATGCTCAGAGACCAATAAGTGGAGACCCAAAA[G>A]TCATTGAAGTTGAGCTCGCAAAGCACCATGTAAGTATTTTCATTTTTTCATCTCTAACCC-3'
Protein context (NP_001380991.1, residues 6349-6369): AQRPISGDPK[Val6359Ile]IEVELAKHHV